The following is an entry in ClinVar:

NM_001177519.3(MICA):c.948_949insCTGCTGCTGCT (p.Ala317fs)

Gene: MICA (MHC class I polypeptide-related sequence A; plus strand). Cytogenetic location: 6p21.33.
Variant type: Insertion.
Coding change: c.948_949insCTGCTGCTGCT on transcript NM_001177519.3 (MANE Select); coding-DNA positions 948 to 949, CTGCTGCTGCT inserted.
Protein change: p.Ala317fs; shifts the reading frame from alanine 317.
Molecular consequence: frameshift variant.
Genome position: GRCh38 VCF-style: chr6-31412384-G-GCTGCTGCTGCT. GRCh37 (hg19) VCF-style: chr6-31380161-G-GCTGCTGCTGCT.
Other names: c.948_949insCTGCTGCTGCT, p.Ala317fs (NM_000247.3); c.657_658insCTGCTGCTGCT, p.Ala220fs (NM_001289152.2, NM_001289153.2); c.534_535insCTGCTGCTGCT, p.Ala179fs (NM_001289154.2); short protein forms A179fs, A220fs, A317fs.
Identifiers: ClinVar variation 403088 (VCV000403088.4), dbSNP rs41293539, ClinGen allele CA3712298.

ClinVar aggregate classification (germline): Benign (1 of 4 stars; one submission).

Allele frequency attached by ClinVar (database versions not stated): 1000 Genomes Project 0.21166.

Submission:

Laboratory for Molecular Medicine, Mass General Brigham Personalized Medicine
Classification: Benign. Last evaluated: 2016-03-28. Review status: criteria provided, single submitter. Criteria: LMM Criteria. Collection method: clinical testing. Allele origin: germline.
Comment: Variant identified in a genome or exome case(s) and assessed due to predicted null impact of the variant or pathogenic assertions in the literature or databases. Disclaimer: This variant has not undergone full assessment. The following are preliminary notes: Not present in FAST (frequency). ExAC: 23.9% (9166/38406) total chromosomes